The following is an entry in ClinVar:

NM_003954.5(MAP3K14):c.2728C>T (p.Arg910Cys)

Genes: MAP3K14-AS1 (MAP3K14 antisense RNA 1; plus strand), MAP3K14 (mitogen-activated protein kinase kinase kinase 14; minus strand). Cytogenetic location: 17q21.31.
Variant type: single nucleotide variant.
Coding change: c.2728C>T on transcript NM_003954.5 (MANE Select); coding-DNA position 2728, C replaced by T.
Protein change: p.Arg910Cys; replaces arginine 910 with cysteine.
Molecular consequence: missense variant.
Genome position (GRCh38, 1-based): chr17:45,264,752, G>A on the plus strand (C>T on the coding strand, the complement: MAP3K14 is on the minus strand). VCF-style: chr17-45264752-G-A. GRCh37 (hg19) VCF-style: chr17-43342119-G-A.
Other names: short protein forms R910C.
Identifiers: ClinVar variation 938219 (VCV000938219.10), dbSNP rs767382383, ClinGen allele CA8613780.

ClinVar aggregate classification (germline): Uncertain significance (1 of 4 stars; one submission).

Conditions:
NIK deficiency. Also called: Primary immunodeficiency with multifaceted aberrant lymphoid immunity. Identifiers: Orphanet 447731, MedGen C5680065, MONDO:0018642.

Allele frequency attached by ClinVar (database versions not stated): ExAC 0.00001; TOPMed 0.00001; gnomAD 0.00002; gnomAD exomes 0.00002.
gnomAD v4.1: 19 of 1,613,276 alleles (0.0012%); highest among the groups gnomAD compares: South Asian, 0.011%; 1 homozygote.

Submission:

Labcorp Genetics (formerly Invitae), Labcorp
Classification: Uncertain significance for NIK deficiency. Last evaluated: 2025-09-15. Review status: criteria provided, single submitter. Criteria: Invitae Variant Classification Sherloc (09022015). Collection method: clinical testing. Allele origin: germline.
Comment: This sequence change replaces arginine, which is basic and polar, with cysteine, which is neutral and slightly polar, at codon 910 of the MAP3K14 protein (p.Arg910Cys). This variant is present in population databases (rs767382383, gnomAD 0.02%). This variant has not been reported in the literature in individuals affected with MAP3K14-related conditions. ClinVar contains an entry for this variant (Variation ID: 938219). Experimental studies and prediction algorithms are not available or were not evaluated, and the functional significance of this variant is currently unknown. In summary, the available evidence is currently insufficient to determine the role of this variant in disease. Therefore, it has been classified as a Variant of Uncertain Significance.